The following is an entry in ClinVar:

NM_000235.4(LIPA):c.193C>T (p.Arg65Ter)

Gene: LIPA (lipase A, lysosomal acid type; minus strand). Cytogenetic location: 10q23.31.
Variant type: single nucleotide variant.
Coding change: c.193C>T on transcript NM_000235.4 (MANE Select); coding-DNA position 193, C replaced by T.
Protein change: p.Arg65Ter; replaces arginine 65 with a stop codon.
Molecular consequence: nonsense. On other transcripts: intron variant (1).
Genome position (GRCh38, 1-based): chr10:89,245,712, G>A on the plus strand (C>T on the coding strand, the complement: LIPA is on the minus strand). VCF-style: chr10-89245712-G-A. GRCh37 (hg19) VCF-style: chr10-91005469-G-A.
Other names: c.193C>T, p.Arg65Ter (NM_001127605.3); c.-120+6025C>T (NM_001288979.2); c.193C>T (NM_000235.3); short protein forms R65*.
Identifiers: ClinVar variation 558291 (VCV000558291.16), dbSNP rs779712562, ClinGen allele CA5593792.

ClinVar aggregate classification (germline): Pathogenic. Review status: criteria provided, multiple submitters, no conflicts (2 of 4 stars). 5 submissions from 5 submitters: Pathogenic (4). 1 of the submissions does not count toward it. Last evaluated 2025-05-02.

Conditions:
Cholesteryl ester storage disease (CESD). Also called: Childhood/Adult-Onset LAL-D (Cholesterol Ester Storage Disease [CESD]). Identifiers: Orphanet 75234, MedGen C0008384, MONDO:0019149, OMIM 278000.
Lysosomal acid lipase deficiency. Also called: Acid cholesteryl ester hydrolase deficiency, type 2. Identifiers: Orphanet 275761, MedGen C5574740, MONDO:0800449, MONDO:0010204.
Wolman disease (WOLD). Also called: Wolman disease, CESD; LYSOSOMAL ACID LIPASE DEFICIENCY, ACUTE INFANTILE; LYSOSOMAL ACID LIPASE DEFICIENCY, COMPLETE; LIPA DEFICIENCY, COMPLETE; LAL DEFICIENCY, COMPLETE; CHOLESTEROL ESTER HYDROLASE DEFICIENCY, COMPLETE. Identifiers: Orphanet 75233, MedGen C0043208, MONDO:0019148, OMIM 620151.

Allele frequency attached by ClinVar (database versions not stated): gnomAD 0.00003 and 0.00004; gnomAD exomes 0.00001 and 0.00002; TOPMed 0.00002; ExAC 0.00002.
gnomAD v4.1: 24 of 1,601,016 alleles (0.0015%); highest among the groups gnomAD compares: East Asian, 0.0022%; no homozygotes.

Submissions (5):

Natera, Inc.
Classification: Pathogenic for Lysosomal acid lipase deficiency. Last evaluated: 2025-05-02. Review status: criteria provided, single submitter. Criteria: Natera Variant Classification Schema (03/2026). Collection method: clinical testing. Allele origin: germline.
Comment: The c.193C>T variant in LIPA is a nonsense variant predicted to introduce a stop codon at amino acid 65. This variant is expected to result in nonsense mediated decay, truncation, or a dysfunctional protein product. This variant is rare in the general population with a frequency below the threshold expected for the associated phenotype(s). This variant has been observed in one or more individuals affected with the associated recessive disease, as either homozygous or compound heterozygous with a second variant (PMID: 28881270). Given the available evidence, this variant is classified as Pathogenic.

Labcorp Genetics (formerly Invitae), Labcorp
Classification: Pathogenic for Wolman disease. Last evaluated: 2023-12-31. Review status: criteria provided, single submitter. Criteria: Invitae Variant Classification Sherloc (09022015). Collection method: clinical testing. Allele origin: germline.
Comment: This sequence change creates a premature translational stop signal (p.Arg65*) in the LIPA gene. It is expected to result in an absent or disrupted protein product. Loss-of-function variants in LIPA are known to be pathogenic (PMID: 23485521). This variant is present in population databases (rs779712562, gnomAD 0.005%). This premature translational stop signal has been observed in individual(s) with cholesteryl ester storage disease (PMID: 9554751). This variant is also known as p.Arg44*. ClinVar contains an entry for this variant (Variation ID: 558291). For these reasons, this variant has been classified as Pathogenic.

Fulgent Genetics
Classification: Pathogenic for Cholesteryl ester storage disease. Last evaluated: 2018-10-31. Review status: criteria provided, single submitter. Criteria: ACMG Guidelines, 2015. Collection method: clinical testing. Allele origin: unknown.

Molecular Diagnostics Laboratory, M Health Fairview: University of Minnesota
Classification: Pathogenic for Wolman Disease. Last evaluated: 2018-07-17. Review status: criteria provided, single submitter. Criteria: ACMG Guidelines, 2015. Collection method: clinical testing. Allele origin: germline. Affected: yes. Observed: 1 variant allele.

Counsyl
Classification: Pathogenic for Cholesteryl ester storage disease. Last evaluated: 2018-05-09. Review status: no assertion criteria provided. Collection method: clinical testing. Allele origin: unknown. Not counted in ClinVar's aggregate classification.

Literature cited by the submitters: PubMed 28881270 (cited by Natera, Inc.); PubMed 23485521 (cited by Labcorp Genetics (formerly Invitae), Labcorp); PubMed 9554751 (cited by Labcorp Genetics (formerly Invitae), Labcorp and Molecular Diagnostics Laboratory, M Health Fairview: University of Minnesota); PubMed 10562460 (cited by Molecular Diagnostics Laboratory, M Health Fairview: University of Minnesota and Counsyl); PubMed 9367797 (cited by Counsyl); PubMed 10627498 (cited by Counsyl); PubMed 26252914 (cited by Counsyl).